The following is an entry in ClinVar:

NM_000269.3(NME1):c.341+10T>G

Genes: NME1 (NME/NM23 nucleoside diphosphate kinase 1; plus strand), NME1-NME2 (NME1-NME2 readthrough; plus strand). Cytogenetic location: 17q21.33.
Variant type: single nucleotide variant.
Coding change: c.341+10T>G on transcript NM_000269.3 (MANE Select); 10 bases into the intron after coding-DNA position 341, T replaced by G.
Molecular consequence: intron variant.
Genome position (GRCh38, 1-based): chr17:51,161,282, T>G. VCF-style: chr17-51161282-T-G. GRCh37 (hg19) VCF-style: chr17-49238643-T-G.
Other names: c.341+10T>G (NM_001018136.3); c.416+10T>G (NM_198175.1).
Identifiers: ClinVar variation 727415 (VCV000727415.6), dbSNP rs181856997, ClinGen allele CA8658117.

ClinVar aggregate classification (germline): Benign. Review status: criteria provided, multiple submitters, no conflicts (2 of 4 stars). 3 submissions from 3 submitters: Benign (2). 1 of the submissions does not count toward it. Last evaluated 2018-05-14.

Conditions:
NME1-NME2-related disorder. Also called: NME1-NME2-related condition.

Allele frequency attached by ClinVar (database versions not stated): gnomAD exomes 0.00029 and 0.00070; ExAC 0.00158; gnomAD 0.00261 and 0.00276; TOPMed 0.00285; 1000 Genomes Project 0.00399; ESP Exome Variant Server 0.00408; 1000 Genomes Project 30x 0.00468.
gnomAD v4.1: 832 of 1,595,708 alleles (0.052%); highest among the groups gnomAD compares: African/African-American, 0.97%; 5 homozygotes.

Submissions (3):

Labcorp Genetics (formerly Invitae), Labcorp
Classification: Benign. Last evaluated: 2018-05-14. Review status: criteria provided, single submitter. Criteria: Invitae Variant Classification Sherloc (09022015). Collection method: clinical testing. Allele origin: germline.

Breakthrough Genomics
Classification: Benign. Review status: criteria provided, single submitter. Criteria: ACMG Guidelines, 2015. Collection method: not provided. Allele origin: germline. Inheritance: Unknown mechanism. Affected: yes.

PreventionGenetics, part of Exact Sciences
Classification: Benign for NME1-NME2-related condition. Last evaluated: 2019-07-01. Review status: no assertion criteria provided. Collection method: clinical testing. Allele origin: germline. Not counted in ClinVar's aggregate classification.
Comment: This variant is classified as benign based on ACMG/AMP sequence variant interpretation guidelines (Richards et al. 2015 PMID: 25741868, with internal and published modifications).